The following is an entry in ClinVar:

NM_004415.4(DSP):c.8133G>T (p.Glu2711Asp)

Gene: DSP (desmoplakin; plus strand). Cytogenetic location: 6p24.3.
Variant type: single nucleotide variant.
Coding change: c.8133G>T on transcript NM_004415.4 (MANE Select); coding-DNA position 8133, G replaced by T.
Protein change: p.Glu2711Asp; replaces glutamic acid 2711 with aspartic acid.
Molecular consequence: missense variant.
Genome position (GRCh38, 1-based): chr6:7,585,395, G>T. VCF-style: chr6-7585395-G-T. GRCh37 (hg19) VCF-style: chr6-7585628-G-T.
Other names: p.Glu2711Asp; c.6336G>T, p.Glu2112Asp (NM_001008844.3); c.6804G>T, p.Glu2268Asp (NM_001319034.2); c.8133G>T (NM_004415.3); short protein forms E2268D, E2711D, E2112D.
Identifiers: ClinVar variation 934946 (VCV000934946.16), dbSNP rs375348086, ClinGen allele CA051609.

ClinVar aggregate classification (germline): Conflicting classifications of pathogenicity. Review status: criteria provided, conflicting classifications (1 of 4 stars). 9 submissions from 9 submitters: Uncertain significance (7); Likely benign (1). 1 of the submissions does not count toward it. Last evaluated 2026-04-30.

Conditions:
Cardiovascular phenotype. Identifiers: MedGen CN230736.
Cardiomyopathy, dilated, with wooly hair, keratoderma, and tooth agenesis. Also called: Cardiomyopathy, dilated, with woolly hair, keratoderma, and tooth agenesis; Erythrokeratodermia-cardiomyopathy syndrome. Identifiers: Orphanet 476096, Orphanet 65282, MedGen C4014393, MONDO:0014355, OMIM 615821.
Arrhythmogenic cardiomyopathy with wooly hair and keratoderma. Also called: PALMOPLANTAR KERATODERMA WITH LEFT VENTRICULAR CARDIOMYOPATHY AND WOOLLY HAIR; Carvajal syndrome; Dilated cardiomyopathy with woolly hair and keratoderma; Arrhythmogenic cardiomyopathy with woolly hair and keratoderma. Identifiers: Orphanet 65282, MedGen C1854063, MONDO:0011581, OMIM 605676.
Keratosis palmoplantaris striata 2. Also called: KERATODERMA, PALMOPLANTAR, STRIATE FORM II; STRIATE PALMOPLANTAR KERATODERMA II; Keratosis palmoplantaris striata II. Identifiers: MedGen C1852127, MONDO:0013034, OMIM 612908.
Arrhythmogenic right ventricular dysplasia 8 (ARVD8). Also called: Arrhythmogenic Right Ventricular Dysplasia/Cardiomyopathy 8; ARRHYTHMOGENIC RIGHT VENTRICULAR CARDIOMYOPATHY 8; ARRHYTHMOGENIC RIGHT VENTRICULAR DYSPLASIA, FAMILIAL, 8. Identifiers: MedGen C1843896, MONDO:0011831, OMIM 607450.
Woolly hair-skin fragility syndrome (WHSF). Identifiers: Orphanet 293165, MedGen C1843292, MONDO:0957307, OMIM 620415.
Lethal acantholytic epidermolysis bullosa (EBLA). Identifiers: Orphanet 158687, MedGen C1864826, MONDO:0012323, OMIM 609638.
DSP-related disorder. Also called: DSP-related condition; DSP-related disorders.
Cardiomyopathy (CMYO). Also called: Cardiomyopathies. Identifiers: Orphanet 167848, MedGen C0878544, MONDO:0004994, HP:0001638. Inheritance: Various modes of inheritance.

Allele frequency attached by ClinVar (database versions not stated): gnomAD exomes below 0.00001 and 0.00001; ExAC 0.00001; gnomAD 0.00001; TOPMed 0.00004; ESP Exome Variant Server 0.00008.
gnomAD v4.1: 5 of 1,614,014 alleles (0.00031%); highest among the groups gnomAD compares: African/African-American, 0.004%; no homozygotes.

Submissions (9):

PreventionGenetics, part of Exact Sciences
Classification: Uncertain significance for DSP-related condition. Last evaluated: 2026-04-30. Review status: criteria provided, single submitter. Criteria: ACMG Guidelines, 2015. Collection method: clinical testing. Allele origin: germline.
Comment: The DSP c.8133G>T variant is predicted to result in the amino acid substitution p.Glu2711Asp. To our knowledge, this variant has not been reported in the literature. This variant is reported in 0.0062% of alleles in individuals of African descent in gnomAD. At this time, the clinical significance of this variant is uncertain due to the absence of conclusive functional and genetic evidence.

GeneDx
Classification: Uncertain significance. Last evaluated: 2026-01-26. Review status: criteria provided, single submitter. Criteria: GeneDx Variant Classification Process June 2021. Collection method: clinical testing. Allele origin: germline.
Comment: Has not been previously published as pathogenic or benign to our knowledge; Not observed at significant frequency in large population cohorts (gnomAD); In silico analysis suggests that this missense variant does not alter protein structure/function

Labcorp Genetics (formerly Invitae), Labcorp
Classification: Likely benign for Arrhythmogenic cardiomyopathy with wooly hair and keratoderma; Arrhythmogenic right ventricular dysplasia 8. Last evaluated: 2025-06-04. Review status: criteria provided, single submitter. Criteria: Invitae Variant Classification Sherloc (09022015). Collection method: clinical testing. Allele origin: germline.

Color Diagnostics, LLC DBA Color Health
Classification: Uncertain significance for Cardiomyopathy. Last evaluated: 2024-06-11. Review status: criteria provided, single submitter. Criteria: ACMG Guidelines, 2015. Collection method: clinical testing. Allele origin: germline.
Comment: This missense variant replaces glutamic acid with aspartic acid at codon 2711 of the DSP protein. Computational prediction is inconclusive regarding the impact of this variant on protein structure and function. To our knowledge, functional studies have not been reported for this variant. This variant has not been reported in individuals affected with DSP-related disorders in the literature. This variant has been identified in 2/251442 chromosomes in the general population by the Genome Aggregation Database (gnomAD). The available evidence is insufficient to determine the role of this variant in disease conclusively. Therefore, this variant is classified as a Variant of Uncertain Significance.

Ambry Genetics
Classification: Uncertain significance for Cardiovascular phenotype. Last evaluated: 2024-03-08. Review status: criteria provided, single submitter. Criteria: Ambry Variant Classification Scheme 2023. Collection method: clinical testing. Allele origin: germline.
Comment: The p.E2711D variant (also known as c.8133G>T), located in coding exon 24 of the DSP gene, results from a G to T substitution at nucleotide position 8133. The glutamic acid at codon 2711 is replaced by aspartic acid, an amino acid with highly similar properties. This amino acid position is highly conserved in available vertebrate species. In addition, the in silico prediction for this alteration is inconclusive. Since supporting evidence is limited at this time, the clinical significance of this alteration remains unclear.

All of Us Research Program, National Institutes of Health
Classification: Uncertain significance for Arrhythmogenic cardiomyopathy with wooly hair and keratoderma. Last evaluated: 2023-04-27. Review status: criteria provided, single submitter. Criteria: ACMG Guidelines, 2015. Collection method: clinical testing. Allele origin: germline. Inheritance: Autosomal dominant inheritance. Observed: 1 variant allele, 1 heterozygote.
Comment: This study involves interpretation of variants in research participants for the purpose of population health screening. Participant phenotype was not available at the time of variant classification. Additional details can be found in publication PMID: 35346344, PMCID: PMC8962531

Fulgent Genetics
Classification: Uncertain significance for Arrhythmogenic cardiomyopathy with wooly hair and keratoderma; Arrhythmogenic right ventricular dysplasia 8; Lethal acantholytic epidermolysis bullosa; Keratosis palmoplantaris striata 2; Cardiomyopathy, dilated, with wooly hair, keratoderma, and tooth agenesis. Last evaluated: 2021-08-13. Review status: criteria provided, single submitter. Criteria: ACMG Guidelines, 2015. Collection method: clinical testing. Allele origin: unknown.

Clinical Genomics Laboratory, Stanford Medicine
Classification: Uncertain significance for Arrhythmogenic right ventricular dysplasia 8. Last evaluated: 2021-06-17. Review status: criteria provided, single submitter. Criteria: ACMG Guidelines, 2015. Collection method: clinical testing. Allele origin: germline. Affected: yes. Observed: 1 heterozygote.
Comment: The p.Glu2711Asp variant in the DSP gene has not been previously reported in association with disease. This variant has been identified in 1/16,254 African/African-American chromosomes by the Genome Aggregation Database. Computational tools predict that this variant is deleterious; however, the accuracy of in silico algorithms is limited. These data were assessed using the ACMG/AMP variant interpretation guidelines. In summary, the significance of the p.Glu2711Asp variant is uncertain. Additional information is needed to resolve the significance of this variant. [ACMG evidence codes used: PM2; PP3]

Department of Pathology and Laboratory Medicine, Sinai Health System
Classification: Uncertain significance. Review status: no assertion criteria provided. Collection method: clinical testing. Allele origin: unknown. Affected: yes. Study: The Canadian Open Genetics Repository (COGR). Not counted in ClinVar's aggregate classification.
Comment: The DSP p.Glu2711Asp variant was not identified in the literature nor was it identified in ClinVar or Cosmic. The variant was identified in dbSNP (ID: rs375348086) and was identified in control databases in 2 of 251442 chromosomes at a frequency of 0.000008 (Genome Aggregation Database Feb 27, 2017). The variant was observed in the following populations: African in 1 of 16254 chromosomes (freq: 0.000062) and South Asian in 1 of 30616 chromosomes (freq: 0.000033), but not in the Latino, Ashkenazi Jewish, East Asian, European (Finnish), European (non-Finnish), and Other populations. The variant occurs outside of the splicing consensus sequence and in silico or computational prediction software programs (SpliceSiteFinder, MaxEntScan, NNSPLICE, GeneSplicer) do not predict a difference in splicing. The p.Glu2711 residue is conserved in mammals and computational analyses (PolyPhen-2, SIFT, AlignGVGD, BLOSUM, MutationTaster) provide inconsistent predictions regarding the impact to the protein; this information is not very predictive of pathogenicity. In summary, based on the above information the clinical significance of this variant cannot be determined with certainty at this time. This variant is classified as a variant of uncertain significance.